The following is an entry in ClinVar:

ClinVar aggregate classification (germline): Likely benign. Review status: criteria provided, multiple submitters, no conflicts (2 of 4 stars). 2 submissions from 2 submitters: Likely benign (2). Last evaluated 2025-12-17.

Allele frequency attached by ClinVar (database versions not stated): TOPMed 0.00011; gnomAD 0.00016 and 0.00017; ExAC 0.00018; gnomAD exomes 0.00019; ESP Exome Variant Server 0.00023; 1000 Genomes Project 0.00040; 1000 Genomes Project 30x 0.00062.
gnomAD v4.1: 444 of 1,614,164 alleles (0.028%); highest among the groups gnomAD compares: Admixed American, 0.037%; 1 homozygote.

Submissions (2):

Labcorp Genetics (formerly Invitae), Labcorp
Classification: Likely benign. Last evaluated: 2025-12-17. Review status: criteria provided, single submitter. Criteria: Invitae Variant Classification Sherloc (09022015). Collection method: clinical testing. Allele origin: germline.

CeGaT Center for Human Genetics Tuebingen
Classification: Likely benign. Last evaluated: 2023-05-01. Review status: criteria provided, single submitter. Criteria: CeGaT Center For Human Genetics Tuebingen Variant Classification Criteria Version 2. Collection method: clinical testing. Allele origin: germline. Affected: yes. Observed: 2 variant alleles.
Comment: TIMM50: BP4, BP7

NM_001001563.5(TIMM50):c.217C>T (p.Leu73=)

Gene: TIMM50 (translocase of inner mitochondrial membrane 50; plus strand). Cytogenetic location: 19q13.2.
Variant type: single nucleotide variant.
Coding change: c.217C>T on transcript NM_001001563.5 (MANE Select); coding-DNA position 217, C replaced by T.
Protein change: p.Leu73=; no amino-acid change (leucine 73 retained).
Molecular consequence: synonymous variant. On other transcripts: 5 prime UTR variant (1).
Genome position (GRCh38, 1-based): chr19:39,481,991, C>T. VCF-style: chr19-39481991-C-T. GRCh37 (hg19) VCF-style: chr19-39972631-C-T.
Other names: c.-64C>T (NM_001329559.2).
Identifiers: ClinVar variation 1593719 (VCV001593719.32), dbSNP rs78005989, ClinGen allele CA9431698.